The following is an entry in ClinVar:

ClinVar aggregate classification (germline): Likely benign (0 of 4 stars; one submission).

Conditions:
GABRE-related disorder. Also called: GABRE-related condition.

Allele frequency attached by ClinVar (database versions not stated): TOPMed 0.00068; gnomAD 0.00081; ExAC 0.00106; ESP Exome Variant Server 0.00123.
gnomAD v4.1: 1,424 of 1,210,286 alleles (0.12%); highest among the groups gnomAD compares: Non-Finnish European, 0.14%; 1 homozygote.

Submission:

PreventionGenetics, part of Exact Sciences
Classification: Likely benign for GABRE-related condition. Last evaluated: 2023-07-02. Review status: no assertion criteria provided. Collection method: clinical testing. Allele origin: germline.
Comment: This variant is classified as likely benign based on ACMG/AMP sequence variant interpretation guidelines (Richards et al. 2015 PMID: 25741868, with internal and published modifications).

NM_004961.4(GABRE):c.833G>C (p.Gly278Ala)

Gene: GABRE (gamma-aminobutyric acid type A receptor subunit epsilon; minus strand). Cytogenetic location: Xq28.
Variant type: single nucleotide variant.
Coding change: c.833G>C on transcript NM_004961.4 (MANE Select); coding-DNA position 833, G replaced by C.
Protein change: p.Gly278Ala; replaces glycine 278 with alanine.
Molecular consequence: missense variant.
Genome position (GRCh38, 1-based): chrX:151,955,812, C>G on the plus strand (G>C on the coding strand, the complement: GABRE is on the minus strand). VCF-style: chrX-151955812-C-G. GRCh37 (hg19) VCF-style: chrX-151124284-C-G.
Other names: short protein forms G278A.
Identifiers: ClinVar variation 3044081 (VCV003044081.2), dbSNP rs140182680, ClinGen allele CA10542473.